The following is an entry in ClinVar:

NM_000138.5(FBN1):c.7902C>T (p.Pro2634=)

Gene: FBN1 (fibrillin 1; minus strand). Cytogenetic location: 15q21.1.
Variant type: single nucleotide variant.
Coding change: c.7902C>T on transcript NM_000138.5 (MANE Select); coding-DNA position 7902, C replaced by T.
Protein change: p.Pro2634=; no amino-acid change (proline 2634 retained).
Molecular consequence: synonymous variant.
Genome position (GRCh38, 1-based): chr15:48,415,685, G>A on the plus strand (C>T on the coding strand, the complement: FBN1 is on the minus strand). VCF-style: chr15-48415685-G-A. GRCh37 (hg19) VCF-style: chr15-48707882-G-A.
Identifiers: ClinVar variation 263699 (VCV000263699.60), dbSNP rs138621371, ClinGen allele CA059325.

ClinVar aggregate classification (germline): Conflicting classifications of pathogenicity. Review status: criteria provided, conflicting classifications (1 of 4 stars). 11 submissions from 11 submitters: Uncertain significance (1); Benign (3); Likely benign (7). Last evaluated 2026-02-03.

Conditions:
Familial thoracic aortic aneurysm and aortic dissection (TAAD). Also called: Thoracic aortic aneurysms and dissections. Identifiers: Orphanet 91387, MedGen C4707243, MONDO:0019625.
Marfan syndrome (MFS). Also called: Marfan syndrome, classic; MARFAN SYNDROME, TYPE I; FBN1-Related Marfan Syndrome; Marfan syndrome type 1; Marfan's syndrome. Identifiers: Orphanet 284963, Orphanet 558, MedGen C0024796, MONDO:0007947, OMIM 154700.

Allele frequency attached by ClinVar (database versions not stated): gnomAD 0.00006 and 0.00009; TOPMed 0.00009; 1000 Genomes Project 30x 0.00016; gnomAD exomes 0.00019; 1000 Genomes Project 0.00020; ExAC 0.00021.
gnomAD v4.1: 161 of 1,614,194 alleles (0.01%); highest among the groups gnomAD compares: South Asian, 0.088%; no homozygotes.

Submissions (11):

Labcorp Genetics (formerly Invitae), Labcorp
Classification: Benign for Marfan syndrome; Familial thoracic aortic aneurysm and aortic dissection. Last evaluated: 2026-02-03. Review status: criteria provided, single submitter. Criteria: Invitae Variant Classification Sherloc (09022015). Collection method: clinical testing. Allele origin: germline.

ARUP Laboratories, Molecular Genetics and Genomics, ARUP Laboratories
Classification: Likely benign. Last evaluated: 2024-12-17. Review status: criteria provided, single submitter. Criteria: ARUP Molecular Germline Variant Investigation Process 2024. Collection method: clinical testing. Allele origin: germline.

Blueprint Genetics
Classification: Likely benign. Last evaluated: 2024-09-12. Review status: criteria provided, single submitter. Criteria: ACMG Guidelines, 2015. Collection method: clinical testing. Allele origin: germline.

All of Us Research Program, National Institutes of Health
Classification: Likely benign for Marfan syndrome. Last evaluated: 2024-01-08. Review status: criteria provided, single submitter. Criteria: ACMG Guidelines, 2015. Collection method: clinical testing. Allele origin: germline. Inheritance: Autosomal dominant inheritance. Observed: 15 variant alleles, 15 heterozygotes.
Comment: This study involves interpretation of variants in research participants for the purpose of population health screening. Participant phenotype was not available at the time of variant classification. Additional details can be found in publication PMID: 35346344, PMCID: PMC8962531

CeGaT Center for Human Genetics Tuebingen
Classification: Likely benign. Last evaluated: 2023-09-01. Review status: criteria provided, single submitter. Criteria: CeGaT Center For Human Genetics Tuebingen Variant Classification Criteria Version 2. Collection method: clinical testing. Allele origin: germline. Affected: yes. Observed: 1 variant allele.
Comment: FBN1: BP4, BP7

Women's Health and Genetics/Laboratory Corporation of America, LabCorp
Classification: Benign. Last evaluated: 2023-08-24. Review status: criteria provided, single submitter. Criteria: LabCorp Variant Classification Summary - May 2015. Collection method: clinical testing. Allele origin: germline.

Ambry Genetics
Classification: Likely benign for Familial thoracic aortic aneurysm and aortic dissection. Last evaluated: 2019-06-27. Review status: criteria provided, single submitter. Criteria: Ambry Variant Classification Scheme 2023. Collection method: clinical testing. Allele origin: germline.

Color Diagnostics, LLC DBA Color Health
Classification: Likely benign for Familial thoracic aortic aneurysm and aortic dissection. Last evaluated: 2018-10-18. Review status: criteria provided, single submitter. Criteria: ACMG Guidelines, 2015. Collection method: clinical testing. Allele origin: germline.

CHEO Genetics Diagnostic Laboratory, Children's Hospital of Eastern Ontario
Classification: Likely benign for Familial thoracic aortic aneurysm and aortic dissection. Last evaluated: 2017-07-27. Review status: criteria provided, single submitter. Criteria: ACMG Guidelines, 2015. Collection method: clinical testing. Allele origin: germline. Study: Canadian Open Genetics Repository.

Eurofins Ntd Llc (ga)
Classification: Uncertain significance. Last evaluated: 2016-03-31. Review status: criteria provided, single submitter. Criteria: EGL Classification Definitions 2015. Collection method: clinical testing. Allele origin: germline. Observed: 1 variant allele, 1 heterozygote.

GeneDx
Classification: Benign. Last evaluated: 2016-02-10. Review status: criteria provided, single submitter. Criteria: GeneDx Variant Classification (06012015). Collection method: clinical testing. Allele origin: germline. Affected: yes.
Comment: This variant is considered likely benign or benign based on one or more of the following criteria: it is a conservative change, it occurs at a poorly conserved position in the protein, it is predicted to be benign by multiple in silico algorithms, and/or has population frequency not consistent with disease.